The following is an entry in ClinVar:

NM_001130144.3(LTBP3):c.1345G>A (p.Ala449Thr)

Gene: LTBP3 (latent transforming growth factor beta binding protein 3; minus strand). Cytogenetic location: 11q13.1.
Variant type: single nucleotide variant.
Coding change: c.1345G>A on transcript NM_001130144.3 (MANE Select); coding-DNA position 1345, G replaced by A.
Protein change: p.Ala449Thr; replaces alanine 449 with threonine.
Molecular consequence: missense variant.
Genome position (GRCh38, 1-based): chr11:65,552,248, C>T on the plus strand (G>A on the coding strand, the complement: LTBP3 is on the minus strand). VCF-style: chr11-65552248-C-T. GRCh37 (hg19) VCF-style: chr11-65319719-C-T.
Other names: c.994G>A, p.Ala332Thr (NM_001164266.1); c.1345G>A, p.Ala449Thr (NM_021070.4); short protein forms A332T, A449T.
Identifiers: ClinVar variation 2079943 (VCV002079943.4), dbSNP rs760080755, ClinGen allele CA6101006.

ClinVar aggregate classification (germline): Uncertain significance (1 of 4 stars; one submission).

Conditions:
Brachyolmia-amelogenesis imperfecta syndrome. Also called: PLATYSPONDYLY WITH AMELOGENESIS IMPERFECTA; Tooth agenesis, selective, 6; Dental anomalies and short stature. Identifiers: Orphanet 2899, MedGen C1832594, MONDO:0011018, OMIM 601216. Disease mechanism: loss of function.

Allele frequency attached by ClinVar (database versions not stated): gnomAD 0.00001; TOPMed 0.00001.
gnomAD v4.1: 20 of 1,614,040 alleles (0.0012%); highest among the groups gnomAD compares: South Asian, 0.0033%; no homozygotes.

Submission:

Labcorp Genetics (formerly Invitae), Labcorp
Classification: Uncertain significance for Brachyolmia-amelogenesis imperfecta syndrome. Last evaluated: 2025-10-29. Review status: criteria provided, single submitter. Criteria: Invitae Variant Classification Sherloc (09022015). Collection method: clinical testing. Allele origin: germline.
Comment: This sequence change replaces alanine, which is neutral and non-polar, with threonine, which is neutral and polar, at codon 449 of the LTBP3 protein (p.Ala449Thr). This variant also falls at the last nucleotide of exon 7, which is part of the consensus splice site for this exon. This variant is present in population databases (rs760080755, gnomAD 0.006%). This variant has not been reported in the literature in individuals affected with LTBP3-related conditions. ClinVar contains an entry for this variant (Variation ID: 2079943). An algorithm developed to predict the effect of missense changes on protein structure and function (PolyPhen-2) suggests that this variant is likely to be disruptive. Variants that disrupt the consensus splice site are a relatively common cause of aberrant splicing (PMID: 17576681, 9536098). In summary, the available evidence is currently insufficient to determine the role of this variant in disease. Therefore, it has been classified as a Variant of Uncertain Significance.

Literature cited by the submitters: PubMed 17576681; PubMed 9536098.